The following is an entry in ClinVar:

ClinVar aggregate classification (germline): Uncertain significance. Review status: criteria provided, multiple submitters, no conflicts (2 of 4 stars). 3 submissions from 3 submitters: Uncertain significance (3). Last evaluated 2024-02-17.

Conditions:
Primary ciliary dyskinesia 3. Identifiers: Orphanet 244, MedGen C1837618, MONDO:0012085, OMIM 608644.
Primary ciliary dyskinesia. Also called: Ciliary dyskinesia. Identifiers: Orphanet 244, MedGen C0008780, MONDO:0016575, HP:0012265.

Allele frequency attached by ClinVar (database versions not stated): gnomAD exomes below 0.00001; TOPMed below 0.00001.
gnomAD v4.1: 2 of 1,614,146 alleles (0.00012%); highest among the groups gnomAD compares: Admixed American, 0.0033%; no homozygotes.

Submissions (3):

Ambry Genetics
Classification: Uncertain significance for Primary ciliary dyskinesia. Last evaluated: 2024-02-17. Review status: criteria provided, single submitter. Criteria: Ambry Variant Classification Scheme 2023. Collection method: clinical testing. Allele origin: germline.

Fulgent Genetics
Classification: Uncertain significance for Primary ciliary dyskinesia 3. Last evaluated: 2022-01-12. Review status: criteria provided, single submitter. Criteria: ACMG Guidelines, 2015. Collection method: clinical testing. Allele origin: unknown.

Labcorp Genetics (formerly Invitae), Labcorp
Classification: Uncertain significance for Primary ciliary dyskinesia. Last evaluated: 2021-10-14. Review status: criteria provided, single submitter. Criteria: Invitae Variant Classification Sherloc (09022015). Collection method: clinical testing. Allele origin: germline.
Comment: This sequence change replaces lysine with threonine at codon 780 of the DNAH5 protein (p.Lys780Thr). The lysine residue is moderately conserved and there is a moderate physicochemical difference between lysine and threonine. This variant is not present in population databases (ExAC no frequency). This variant has not been reported in the literature in individuals affected with DNAH5-related conditions. Algorithms developed to predict the effect of missense changes on protein structure and function are either unavailable or do not agree on the potential impact of this missense change (SIFT: "Deleterious"; PolyPhen-2: "Benign"; Align-GVGD: "Class C0"). Algorithms developed to predict the effect of sequence changes on RNA splicing suggest that this variant may create or strengthen a splice site. In summary, the available evidence is currently insufficient to determine the role of this variant in disease. Therefore, it has been classified as a Variant of Uncertain Significance.

NM_001369.3(DNAH5):c.2339A>C (p.Lys780Thr)

Genes: DNAH5-AS1 (DNAH5 antisense RNA 1; plus strand), DNAH5 (dynein axonemal heavy chain 5; minus strand). Cytogenetic location: 5p15.2.
Variant type: single nucleotide variant.
Coding change: c.2339A>C on transcript NM_001369.3 (MANE Select); coding-DNA position 2339, A replaced by C.
Protein change: p.Lys780Thr; replaces lysine 780 with threonine.
Molecular consequence: missense variant.
Genome position (GRCh38, 1-based): chr5:13,894,742, T>G on the plus strand (A>C on the coding strand, the complement: DNAH5 is on the minus strand). VCF-style: chr5-13894742-T-G. GRCh37 (hg19) VCF-style: chr5-13894851-T-G.
Other names: c.2339A>C (NM_001369.2); short protein forms K780T.
Identifiers: ClinVar variation 1439578 (VCV001439578.7), dbSNP rs1773692803, ClinGen allele CA359200923.